The following is an entry in ClinVar:

NM_024700.4(SNIP1):c.431G>A (p.Arg144Gln)

Genes: SNIP1 (Smad nuclear interacting protein 1; minus strand), LOC126805704 (BRD4-independent group 4 enhancer GRCh37_chr1:38005292-38006491; plus strand). Cytogenetic location: 1p34.3.
Variant type: single nucleotide variant.
Coding change: c.431G>A on transcript NM_024700.4 (MANE Select); coding-DNA position 431, G replaced by A.
Protein change: p.Arg144Gln; replaces arginine 144 with glutamine.
Molecular consequence: missense variant.
Genome position (GRCh38, 1-based): chr1:37,540,652, C>T on the plus strand (G>A on the coding strand, the complement: SNIP1 is on the minus strand). VCF-style: chr1-37540652-C-T. GRCh37 (hg19) VCF-style: chr1-38006253-C-T.
Other names: short protein forms R144Q.
Identifiers: ClinVar variation 2047456 (VCV002047456.4), dbSNP rs1422988072, ClinGen allele CA339452448.
Genomic context (GRCh38, chr1:37,540,652, plus strand): 5'-CCCTGACCCTGCCCACTCCCAGGCCTCTCGTTAGACGTTCTCCTTTGGTGGGAATGGCCC[C>T]GGTGTCTGTCCCGGTCACTGTTCCTAGCTCTCCTGTGTTCCTGTTCTGATGGTTCCCTGT-3'
Protein context (NP_078976.2, residues 134-154): RARNSDRDRH[Arg144Gln]GHSHQRRTSN

ClinVar aggregate classification (germline): Uncertain significance (1 of 4 stars; one submission).

Allele frequency attached by ClinVar (database versions not stated): gnomAD exomes 0.00001; TOPMed 0.00001; gnomAD 0.00003.
gnomAD v4.1: 22 of 1,614,022 alleles (0.0014%); highest among the groups gnomAD compares: Admixed American, 0.0067%; no homozygotes.

Submission:

Labcorp Genetics (formerly Invitae), Labcorp
Classification: Uncertain significance. Last evaluated: 2025-04-21. Review status: criteria provided, single submitter. Criteria: Invitae Variant Classification Sherloc (09022015). Collection method: clinical testing. Allele origin: germline.
Comment: This sequence change replaces arginine, which is basic and polar, with glutamine, which is neutral and polar, at codon 144 of the SNIP1 protein (p.Arg144Gln). This variant is present in population databases (no rsID available, gnomAD 0.006%). This variant has not been reported in the literature in individuals affected with SNIP1-related conditions. ClinVar contains an entry for this variant (Variation ID: 2047456). Invitae Evidence Modeling of protein sequence and biophysical properties (such as structural, functional, and spatial information, amino acid conservation, physicochemical variation, residue mobility, and thermodynamic stability) indicates that this missense variant is not expected to disrupt SNIP1 protein function with a negative predictive value of 80%. In summary, the available evidence is currently insufficient to determine the role of this variant in disease. Therefore, it has been classified as a Variant of Uncertain Significance.